The following is an entry in ClinVar:

ClinVar aggregate classification (germline): Uncertain significance. Review status: criteria provided, multiple submitters, no conflicts (2 of 4 stars). 2 submissions from 2 submitters: Uncertain significance (2). Last evaluated 2024-05-24.

Conditions:
Rhabdoid tumor predisposition syndrome 2 (RTPS2). Identifiers: Orphanet 231108, Orphanet 69077, MedGen C2750074, MONDO:0013224, OMIM 613325.
Hereditary cancer-predisposing syndrome. Also called: Hereditary neoplastic syndrome; Neoplastic Syndromes, Hereditary; Tumor predisposition; Hereditary Cancer Syndrome. Identifiers: Orphanet 140162, MedGen C0027672, MeSH D009386, MONDO:0015356.

Allele frequency attached by ClinVar (database versions not stated): gnomAD exomes below 0.00001.
gnomAD v4.1: 1 of 1,611,784 alleles (0.000062%); highest among the groups gnomAD compares: Non-Finnish European, 0.000085%; no homozygotes.

Submissions (2):

Ambry Genetics
Classification: Uncertain significance for Hereditary cancer-predisposing syndrome. Last evaluated: 2024-05-24. Review status: criteria provided, single submitter. Criteria: Ambry Variant Classification Scheme 2023. Collection method: clinical testing. Allele origin: germline.
Comment: The p.K953R variant (also known as c.2858A>G), located in coding exon 18 of the SMARCA4 gene, results from an A to G substitution at nucleotide position 2858. The lysine at codon 953 is replaced by arginine, an amino acid with highly similar properties. This variant has been detected in multiple individuals with no reported features of Coffin-Siris syndrome (Ambry internal data). This amino acid position is highly conserved in available vertebrate species. In addition, the in silico prediction for this variant is inconclusive.. Based on the supporting evidence, the association of this alteration with rhabdoid tumor predisposition syndrome is unknown; however, the association of this alteration with Coffin-Siris syndrome is unlikely.

Labcorp Genetics (formerly Invitae), Labcorp
Classification: Uncertain significance for Rhabdoid tumor predisposition syndrome 2. Last evaluated: 2024-03-19. Review status: criteria provided, single submitter. Criteria: Invitae Variant Classification Sherloc (09022015). Collection method: clinical testing. Allele origin: germline.
Comment: This sequence change replaces lysine, which is basic and polar, with arginine, which is basic and polar, at codon 953 of the SMARCA4 protein (p.Lys953Arg). The frequency data for this variant in the population databases is considered unreliable, as metrics indicate poor data quality at this position in the gnomAD database. This variant has not been reported in the literature in individuals affected with SMARCA4-related conditions. ClinVar contains an entry for this variant (Variation ID: 470322). An algorithm developed to predict the effect of missense changes on protein structure and function (PolyPhen-2) suggests that this variant is likely to be tolerated. Algorithms developed to predict the effect of sequence changes on RNA splicing suggest that this variant may disrupt the consensus splice site. In summary, the available evidence is currently insufficient to determine the role of this variant in disease. Therefore, it has been classified as a Variant of Uncertain Significance.

NM_003072.5(SMARCA4):c.2858A>G (p.Lys953Arg)

Gene: SMARCA4 (SWI/SNF related BAF chromatin remodeling complex subunit ATPase 4; plus strand). Cytogenetic location: 19p13.2.
Variant type: single nucleotide variant.
Coding change: c.2858A>G on transcript NM_003072.5 (MANE Select); coding-DNA position 2858, A replaced by G.
Protein change: p.Lys953Arg; replaces lysine 953 with arginine.
Molecular consequence: missense variant. On other transcripts: non-coding transcript variant (1).
Genome position (GRCh38, 1-based): chr19:11,021,966, A>G. VCF-style: chr19-11021966-A-G. GRCh37 (hg19) VCF-style: chr19-11132642-A-G.
Other names: c.2858A>G, p.Lys953Arg (NM_001128844.3, NM_001128845.2, NM_001128846.2 and 5 more transcripts); short protein forms K953R.
Identifiers: ClinVar variation 470322 (VCV000470322.12), dbSNP rs1256465004, ClinGen allele CA404057190.